The following is an entry in ClinVar:

ClinVar aggregate classification (germline): Likely benign (0 of 4 stars; one submission).

Conditions:
ABCB1-related disorder. Also called: ABCB1-related condition.

Allele frequency attached by ClinVar (database versions not stated): gnomAD 0.00001; gnomAD exomes 0.00003; TOPMed 0.00003.
gnomAD v4.1: 43 of 1,611,750 alleles (0.0027%); highest among the groups gnomAD compares: Non-Finnish European, 0.0033%; no homozygotes.

Submission:

PreventionGenetics, part of Exact Sciences
Classification: Likely benign for ABCB1-related condition. Last evaluated: 2019-02-26. Review status: no assertion criteria provided. Collection method: clinical testing. Allele origin: germline.
Comment: This variant is classified as likely benign based on ACMG/AMP sequence variant interpretation guidelines (Richards et al. 2015 PMID: 25741868, with internal and published modifications).

NM_001348946.2(ABCB1):c.338+5T>C

Gene: ABCB1 (ATP binding cassette subfamily B member 1; minus strand). Cytogenetic location: 7q21.12.
Variant type: single nucleotide variant.
Coding change: c.338+5T>C on transcript NM_001348946.2 (MANE Select); 5 bases into the intron after coding-DNA position 338, T replaced by C.
Molecular consequence: intron variant.
Genome position (GRCh38, 1-based): chr7:87,570,167, A>G on the plus strand (T>C on the coding strand, the complement: ABCB1 is on the minus strand). VCF-style: chr7-87570167-A-G. GRCh37 (hg19) VCF-style: chr7-87199483-A-G.
Other names: c.338+5T>C (NM_001348944.2, NM_000927.5); c.548+5T>C (NM_001348945.2).
Identifiers: ClinVar variation 3057401 (VCV003057401.2), dbSNP rs200469824, ClinGen allele CA162470846.
Genomic context (GRCh38, chr7:87,570,167, plus strand): 5'-TAAACATTTCTACAACTTGATGAATATAGAAAAACTTAACAATAGTAAGGAGAATGTCTA[A>G]TTACCTGGTCATGTCTTCCTCCAGATTCATGAAGAACCCTGTATCATTGATATCACCTAG-3'